The following is an entry in ClinVar:

NM_000264.5(PTCH1):c.2128G>T (p.Asp710Tyr)

Genes: PTCH1 (patched 1; minus strand), LOC100507346 (uncharacterized LOC100507346; plus strand). Cytogenetic location: 9q22.32.
Variant type: single nucleotide variant.
Coding change: c.2128G>T on transcript NM_000264.5 (MANE Select); coding-DNA position 2128, G replaced by T.
Protein change: p.Asp710Tyr; replaces aspartic acid 710 with tyrosine.
Molecular consequence: missense variant. On other transcripts: non-coding transcript variant (2).
Genome position (GRCh38, 1-based): chr9:95,468,873, C>A on the plus strand (G>T on the coding strand, the complement: PTCH1 is on the minus strand). VCF-style: chr9-95468873-C-A. GRCh37 (hg19) VCF-style: chr9-98231155-C-A.
Other names: c.1972G>T, p.Asp658Tyr (NM_001354918.2); c.1930G>T, p.Asp644Tyr (NM_001083602.3); c.2125G>T, p.Asp709Tyr (NM_001083603.3); c.1675G>T, p.Asp559Tyr (NM_001083604.3, NM_001083605.3, NM_001083606.3 and 1 more transcripts); short protein forms D559Y, D710Y, D644Y, D658Y, D709Y.
Identifiers: ClinVar variation 3635849 (VCV003635849.2).

ClinVar aggregate classification (germline): Uncertain significance (1 of 4 stars; one submission).

Conditions:
Gorlin syndrome. Also called: Nevoid Basal Cell Carcinoma Syndrome; Basal cell nevus syndrome. Identifiers: Orphanet 377, MedGen C0004779, MONDO:0007187.

Submission:

Labcorp Genetics (formerly Invitae), Labcorp
Classification: Uncertain significance for Gorlin syndrome. Last evaluated: 2024-12-04. Review status: criteria provided, single submitter. Criteria: Invitae Variant Classification Sherloc (09022015). Collection method: clinical testing. Allele origin: germline.
Comment: This sequence change replaces aspartic acid, which is acidic and polar, with tyrosine, which is neutral and polar, at codon 710 of the PTCH1 protein (p.Asp710Tyr). This variant is not present in population databases (gnomAD no frequency). This variant has not been reported in the literature in individuals affected with PTCH1-related conditions. Invitae Evidence Modeling of protein sequence and biophysical properties (such as structural, functional, and spatial information, amino acid conservation, physicochemical variation, residue mobility, and thermodynamic stability) has been performed for this missense variant. However, the output from this modeling did not meet the statistical confidence thresholds required to predict the impact of this variant on PTCH1 protein function. Algorithms developed to predict the effect of sequence changes on RNA splicing suggest that this variant may disrupt the consensus splice site. In summary, the available evidence is currently insufficient to determine the role of this variant in disease. Therefore, it has been classified as a Variant of Uncertain Significance.